The following is an entry in ClinVar:

NM_000038.6(APC):c.7865_7866delinsAG (p.Pro2622Gln)

Gene: APC (APC regulator of Wnt signaling pathway; plus strand). Cytogenetic location: 5q22.2.
Variant type: Indel.
Coding change: c.7865_7866delinsAG on transcript NM_000038.6 (MANE Select); coding-DNA positions 7865 to 7866, CC replaced by AG.
Protein change: p.Pro2622Gln; replaces proline 2622 with glutamine.
Molecular consequence: missense variant.
Genome position (GRCh38, 1-based): chr5:112,843,459-112,843,460, CC replaced by AG. VCF-style: chr5-112843459-CC-AG. GRCh37 (hg19) VCF-style: chr5-112179156-CC-AG.
Other names: c.7865_7866delinsAG, p.Pro2622Gln (NM_001127510.3, NM_001354895.2); c.7811_7812delinsAG, p.Pro2604Gln (NM_001127511.3); c.7919_7920delinsAG, p.Pro2640Gln (NM_001354896.2); c.7895_7896delinsAG, p.Pro2632Gln (NM_001354897.2); c.7790_7791delinsAG, p.Pro2597Gln (NM_001354898.2); c.7781_7782delinsAG, p.Pro2594Gln (NM_001354899.2); c.7742_7743delinsAG, p.Pro2581Gln (NM_001354900.2); c.7688_7689delinsAG, p.Pro2563Gln (NM_001354901.2); and 6 more; short protein forms P2496Q, P2563Q, P2604Q, P2622Q, P2462Q, P2581Q, P2632Q, P2640Q.
Identifiers: ClinVar variation 941683 (VCV000941683.9), dbSNP rs1766584117, ClinGen allele CA1139659004.

ClinVar aggregate classification (germline): Uncertain significance. Review status: criteria provided, multiple submitters, no conflicts (2 of 4 stars). 2 submissions from 2 submitters: Uncertain significance (2). Last evaluated 2025-07-23.

Conditions:
Familial adenomatous polyposis 1 (FAP1). Also called: FAMILIAL ADENOMATOUS POLYPOSIS 1, ATTENUATED; POLYPOSIS, ADENOMATOUS INTESTINAL. Identifiers: MedGen C2713442, MONDO:0021056, OMIM 175100. Disease mechanism: loss of function.
Hereditary cancer-predisposing syndrome. Also called: Hereditary neoplastic syndrome; Neoplastic Syndromes, Hereditary; Tumor predisposition; Hereditary Cancer Syndrome. Identifiers: Orphanet 140162, MedGen C0027672, MeSH D009386, MONDO:0015356.

Submissions (2):

Ambry Genetics
Classification: Uncertain significance for Hereditary cancer-predisposing syndrome. Last evaluated: 2025-07-23. Review status: criteria provided, single submitter. Criteria: Ambry Variant Classification Scheme 2023. Collection method: clinical testing. Allele origin: germline.
Comment: The c.7865_7866delCCinsAG variant (also known as p.P2622Q), located in coding exon 15 of the APC gene, results from an in-frame deletion of CC and insertion of AG at nucleotide positions 7865 to 7866. This results in the substitution of the proline residue for a glutamine residue at codon 2622, an amino acid with similar properties. This amino acid position is not well conserved in available vertebrate species. In addition, in silico predictors for this gene do not accurately predict pathogenicity. Based on the available evidence, the clinical significance of this variant remains unclear.

Labcorp Genetics (formerly Invitae), Labcorp
Classification: Uncertain significance for Familial adenomatous polyposis 1. Last evaluated: 2021-08-26. Review status: criteria provided, single submitter. Criteria: Invitae Variant Classification Sherloc (09022015). Collection method: clinical testing. Allele origin: germline.